The following is an entry in ClinVar:

NM_000246.4(CIITA):c.533A>T (p.Asp178Val)

Gene: CIITA (class II major histocompatibility complex transactivator; plus strand). Cytogenetic location: 16p13.13.
Variant type: single nucleotide variant.
Coding change: c.533A>T on transcript NM_000246.4 (MANE Select); coding-DNA position 533, A replaced by T.
Protein change: p.Asp178Val; replaces aspartic acid 178 with valine.
Molecular consequence: missense variant. On other transcripts: non-coding transcript variant (1), intron variant (3).
Genome position (GRCh38, 1-based): chr16:10,902,089, A>T. VCF-style: chr16-10902089-A-T. GRCh37 (hg19) VCF-style: chr16-10995946-A-T.
Other names: c.536A>T, p.Asp179Val (NM_001286402.1, NM_001379332.1); c.533A>T, p.Asp178Val (NM_001379333.1); c.464A>T, p.Asp155Val (NM_001379334.1); c.484+531A>T (NM_001379330.1); c.481+531A>T (NM_001379331.1, NM_001286403.2); short protein forms D155V, D179V, D178V.
Identifiers: ClinVar variation 1389767 (VCV001389767.8), dbSNP rs2144555951, ClinGen allele CA394728232.

ClinVar aggregate classification (germline): Uncertain significance (1 of 4 stars; one submission).

Conditions:
MHC class II deficiency. Also called: BLS, TYPE II; Bare lymphocyte syndrome 2. Identifiers: Orphanet 572, MedGen C5447452, MONDO:0008855.

Submission:

Labcorp Genetics (formerly Invitae), Labcorp
Classification: Uncertain significance for MHC class II deficiency. Last evaluated: 2025-02-10. Review status: criteria provided, single submitter. Criteria: Invitae Variant Classification Sherloc (09022015). Collection method: clinical testing. Allele origin: germline.
Comment: This sequence change replaces aspartic acid, which is acidic and polar, with valine, which is neutral and non-polar, at codon 178 of the CIITA protein (p.Asp178Val). This variant is not present in population databases (gnomAD no frequency). This variant has not been reported in the literature in individuals affected with CIITA-related conditions. ClinVar contains an entry for this variant (Variation ID: 1389767). An algorithm developed to predict the effect of missense changes on protein structure and function (PolyPhen-2) suggests that this variant is likely to be tolerated. In summary, the available evidence is currently insufficient to determine the role of this variant in disease. Therefore, it has been classified as a Variant of Uncertain Significance.